The following is an entry in ClinVar:

NM_002439.5(MSH3):c.2656G>A (p.Glu886Lys)

Gene: MSH3 (mutS homolog 3; plus strand). Cytogenetic location: 5q14.1.
Variant type: single nucleotide variant.
Coding change: c.2656G>A on transcript NM_002439.5 (MANE Select); coding-DNA position 2656, G replaced by A.
Protein change: p.Glu886Lys; replaces glutamic acid 886 with lysine.
Molecular consequence: missense variant.
Genome position (GRCh38, 1-based): chr5:80,813,584, G>A. VCF-style: chr5-80813584-G-A. GRCh37 (hg19) VCF-style: chr5-80109403-G-A.
Other names: short protein forms E886K.
Identifiers: ClinVar variation 3398691 (VCV003398691.3).

ClinVar aggregate classification (germline): Uncertain significance. Review status: criteria provided, multiple submitters, no conflicts (2 of 4 stars). 2 submissions from 2 submitters: Uncertain significance (2). Last evaluated 2024-12-26.

Conditions:
Hereditary cancer-predisposing syndrome. Also called: Hereditary Cancer Syndrome; Tumor predisposition; Hereditary neoplastic syndrome; Neoplastic Syndromes, Hereditary. Identifiers: Orphanet 140162, MedGen C0027672, MeSH D009386, MONDO:0015356.

Submissions (2):

Labcorp Genetics (formerly Invitae), Labcorp
Classification: Uncertain significance. Last evaluated: 2024-12-26. Review status: criteria provided, single submitter. Criteria: Invitae Variant Classification Sherloc (09022015). Collection method: clinical testing. Allele origin: germline.
Comment: This sequence change replaces glutamic acid, which is acidic and polar, with lysine, which is basic and polar, at codon 886 of the MSH3 protein (p.Glu886Lys). This variant is not present in population databases (gnomAD no frequency). This variant has not been reported in the literature in individuals affected with MSH3-related conditions. An algorithm developed to predict the effect of missense changes on protein structure and function (PolyPhen-2) suggests that this variant is likely to be tolerated. Algorithms developed to predict the effect of sequence changes on RNA splicing suggest that this variant may create or strengthen a splice site. In summary, the available evidence is currently insufficient to determine the role of this variant in disease. Therefore, it has been classified as a Variant of Uncertain Significance.

Ambry Genetics
Classification: Uncertain significance for Hereditary cancer-predisposing syndrome. Last evaluated: 2024-07-25. Review status: criteria provided, single submitter. Criteria: Ambry Variant Classification Scheme 2023. Collection method: clinical testing. Allele origin: germline.
Comment: The p.E886K variant (also known as c.2656G>A) is located in coding exon 20 of the MSH3 gene. The glutamic acid at codon 886 is replaced by lysine, an amino acid with similar properties. This change occurs in the first base pair of coding exon 20. This amino acid position is poorly conserved in available vertebrate species. In addition, this alteration is predicted to be tolerated by in silico analysis. Based on the available evidence, the clinical significance of this variant remains unclear.